The following is an entry in ClinVar:

ClinVar aggregate classification (germline): Uncertain significance. Review status: criteria provided, multiple submitters, no conflicts (2 of 4 stars). 10 submissions from 6 submitters: Uncertain significance (10). Last evaluated 2026-05-11.

Conditions:
Dilated cardiomyopathy 1G (CMD1G). Identifiers: Orphanet 154, MedGen C1858763, MONDO:0011400, OMIM 604145.
Early-onset myopathy with fatal cardiomyopathy (CMYO5). Also called: Salih Myopathy; CONGENITAL MYOPATHY 5 WITH CARDIOMYOPATHY. Identifiers: Orphanet 289377, MedGen C2673677, MONDO:0012714, OMIM 611705. Disease mechanism: loss of function.
Autosomal recessive limb-girdle muscular dystrophy type 2J (LGMDR10). Also called: Limb-girdle muscular dystrophy, type 2J; MUSCULAR DYSTROPHY, LIMB-GIRDLE, AUTOSOMAL RECESSIVE 10. Identifiers: Orphanet 140922, MedGen C1837342, MONDO:0012127, OMIM 608807.
TTN-related disorder. Also called: TTN-related disorders; TTN-related condition; TTN-related disease.
Tibial muscular dystrophy (TMD). Also called: UDD MYOPATHY; Tibial muscular dystrophy, tardive; Udd Distal Myopathy – Tibial Muscular Dystrophy. Identifiers: Orphanet 609, MedGen C1838244, MONDO:0010870, OMIM 600334.
Myopathy, myofibrillar, 9, with early respiratory failure (MFM9). Also called: MYOPATHY, PROXIMAL, WITH EARLY RESPIRATORY MUSCLE INVOLVEMENT; Hereditary myopathy with early respiratory failure; Myopathy, distal, with early respiratory failure, autosomal dominant; EDSTROM MYOPATHY. Identifiers: Orphanet 178464, Orphanet 34521, MedGen C1863599, MONDO:0011362, OMIM 603689.

Allele frequency attached by ClinVar (database versions not stated): ExAC 0.00001; gnomAD exomes 0.00002 and 0.00006; TOPMed 0.00003; gnomAD 0.00004 and 0.00005.
gnomAD v4.1: 99 of 1,613,948 alleles (0.0061%); highest among the groups gnomAD compares: Non-Finnish European, 0.0081%; no homozygotes.

Submissions (10):

PreventionGenetics, part of Exact Sciences
Classification: Uncertain significance for TTN-related condition. Last evaluated: 2026-05-11. Review status: criteria provided, single submitter. Criteria: ACMG Guidelines, 2015. Collection method: clinical testing. Allele origin: germline.
Comment: The TTN c.9509T>C variant is predicted to result in the amino acid substitution p.Val3170Ala. To our knowledge, this variant has not been reported in the literature. This variant is reported in 0.0054% of alleles in individuals of European (Non-Finnish) descent in gnomAD. At this time, the clinical significance of this variant is uncertain due to the absence of conclusive functional and genetic evidence.

Mayo Clinic Laboratories, Mayo Clinic
Classification: Uncertain significance. Last evaluated: 2024-07-05. Review status: criteria provided, single submitter. Criteria: ACMG Guidelines, 2015. Collection method: clinical testing. Allele origin: germline. Observed: 1 variant allele.

Revvity Omics, Revvity
Classification: Uncertain significance. Last evaluated: 2023-10-04. Review status: criteria provided, single submitter. Criteria: ACMG Guidelines, 2015. Collection method: clinical testing. Allele origin: germline.

Illumina Laboratory Services, Illumina
Classification: Uncertain significance for Tibial muscular dystrophy. Last evaluated: 2018-01-13. Review status: criteria provided, single submitter. Criteria: ICSL Variant Classification Criteria 13 December 2019. Collection method: clinical testing. Allele origin: germline.

Illumina Laboratory Services, Illumina
Classification: Uncertain significance for Dilated cardiomyopathy 1G. Last evaluated: 2018-01-13. Review status: criteria provided, single submitter. Criteria: ICSL Variant Classification Criteria 13 December 2019. Collection method: clinical testing. Allele origin: germline.

Illumina Laboratory Services, Illumina
Classification: Uncertain significance for Early-onset myopathy with fatal cardiomyopathy. Last evaluated: 2018-01-13. Review status: criteria provided, single submitter. Criteria: ICSL Variant Classification Criteria 13 December 2019. Collection method: clinical testing. Allele origin: germline.

Illumina Laboratory Services, Illumina
Classification: Uncertain significance for Autosomal recessive limb-girdle muscular dystrophy type 2J. Last evaluated: 2018-01-13. Review status: criteria provided, single submitter. Criteria: ICSL Variant Classification Criteria 13 December 2019. Collection method: clinical testing. Allele origin: germline.

Illumina Laboratory Services, Illumina
Classification: Uncertain significance for Myopathy, myofibrillar, 9, with early respiratory failure. Last evaluated: 2018-01-13. Review status: criteria provided, single submitter. Criteria: ICSL Variant Classification Criteria 13 December 2019. Collection method: clinical testing. Allele origin: germline.

Labcorp Genetics (formerly Invitae), Labcorp
Classification: Uncertain significance for Dilated cardiomyopathy 1G; Autosomal recessive limb-girdle muscular dystrophy type 2J. Last evaluated: 2017-05-02. Review status: criteria provided, single submitter. Criteria: Invitae Variant Classification Sherloc (09022015). Collection method: clinical testing. Allele origin: germline.

Eurofins Ntd Llc (ga)
Classification: Uncertain significance. Last evaluated: 2016-12-12. Review status: criteria provided, single submitter. Criteria: EGL Classification Definitions 2015. Collection method: clinical testing. Allele origin: germline. Observed: 1 variant allele, 1 heterozygote.

NM_001267550.2(TTN):c.9509T>C (p.Val3170Ala)

Gene: TTN (titin; minus strand). Cytogenetic location: 2q31.2.
Variant type: single nucleotide variant.
Coding change: c.9509T>C on transcript NM_001267550.2 (MANE Select); coding-DNA position 9509, T replaced by C.
Protein change: p.Val3170Ala; replaces valine 3170 with alanine.
Molecular consequence: missense variant.
Genome position (GRCh38, 1-based): chr2:178,766,575, A>G on the plus strand (T>C on the coding strand, the complement: TTN is on the minus strand). VCF-style: chr2-178766575-A-G. GRCh37 (hg19) VCF-style: chr2-179631302-A-G.
Other names: p.Val3170Ala; c.9509T>C, p.Val3170Ala (NM_133378.4, NM_001256850.1, NM_133379.5); c.9371T>C, p.Val3124Ala (NM_003319.4, NM_133432.3, NM_133437.4); short protein forms V3170A, V3124A.
Identifiers: ClinVar variation 332941 (VCV000332941.14), dbSNP rs779339626, ClinGen allele CA2004302.
Genomic context (GRCh38, chr2:178,766,575, plus strand): 5'-ACTTGGAAATTGATTTCAATGCCATCTTTATACCAGTGGGCATCAACATCGTCTTCATTG[A>G]CCTCAAATTCAACAACAGCACGCTGTTTCTCAATGACCTGTTGATGGAACAACATAAAAA-3'
Protein context (NP_001254479.2, residues 3160-3180): EKQRAVVEFE[Val3170Ala]NEDDVDAHWY